The following is an entry in ClinVar:

ClinVar aggregate classification (germline): Uncertain significance (1 of 4 stars; one submission).

Submission:

GeneDx
Classification: Uncertain significance. Last evaluated: 2026-01-31. Review status: criteria provided, single submitter. Criteria: GeneDx Variant Classification Process June 2021. Collection method: clinical testing. Allele origin: germline.
Comment: Not observed at significant frequency in large population cohorts (gnomAD); In silico analysis supports that this missense variant has a deleterious effect on protein structure/function; Has not been previously published as pathogenic or benign to our knowledge

NM_001318510.2(ACSL4):c.1469T>G (p.Phe490Cys)

Gene: ACSL4 (acyl-CoA synthetase long chain family member 4; minus strand). Cytogenetic location: Xq23.
Variant type: single nucleotide variant.
Coding change: c.1469T>G on transcript NM_001318510.2 (MANE Select); coding-DNA position 1469, T replaced by G.
Protein change: p.Phe490Cys; replaces phenylalanine 490 with cysteine.
Molecular consequence: missense variant.
Genome position (GRCh38, 1-based): chrX:109,663,324, A>C on the plus strand (T>G on the coding strand, the complement: ACSL4 is on the minus strand). VCF-style: chrX-109663324-A-C. GRCh37 (hg19) VCF-style: chrX-108906553-A-C.
Other names: c.1592T>G, p.Phe531Cys (NM_001318509.2, NM_001437245.1, NM_001437247.1 and 2 more transcripts); c.1469T>G, p.Phe490Cys (NM_001437250.1, NM_001437251.1, NM_001437252.1 and 2 more transcripts); short protein forms F490C, F531C.
Identifiers: ClinVar variation 4975862 (VCV004975862.1).